The following is an entry in ClinVar:

NM_000222.3(KIT):c.1121T>C (p.Val374Ala)

Gene: KIT (KIT proto-oncogene, receptor tyrosine kinase; plus strand). Cytogenetic location: 4q12.
Variant type: single nucleotide variant.
Coding change: c.1121T>C on transcript NM_000222.3 (MANE Select); coding-DNA position 1121, T replaced by C.
Protein change: p.Val374Ala; replaces valine 374 with alanine.
Molecular consequence: missense variant.
Genome position (GRCh38, 1-based): chr4:54,709,429, T>C. VCF-style: chr4-54709429-T-C. GRCh37 (hg19) VCF-style: chr4-55575595-T-C.
Other names: c.1121T>C, p.Val374Ala (NM_001093772.2, NM_001385285.1, NM_001385286.1); c.1124T>C, p.Val375Ala (NM_001385284.1, NM_001385288.1, NM_001385290.1 and 1 more transcripts); short protein forms V374A, V375A.
Identifiers: ClinVar variation 1797979 (VCV001797979.5), dbSNP rs1720997799, ClinGen allele CA356901999.

ClinVar aggregate classification (germline): Uncertain significance. Review status: criteria provided, multiple submitters, no conflicts (2 of 4 stars). 2 submissions from 2 submitters: Uncertain significance (2). Last evaluated 2024-04-17.

Conditions:
Hereditary cancer-predisposing syndrome. Also called: Neoplastic Syndromes, Hereditary; Hereditary neoplastic syndrome; Hereditary Cancer Syndrome; Tumor predisposition. Identifiers: Orphanet 140162, MedGen C0027672, MeSH D009386, MONDO:0015356.
Gastrointestinal stromal tumor. Also called: Gastrointestinal stromal tumor, somatic; Gastrointestinal stroma tumor. Identifiers: Orphanet 44890, MedGen C0238198, MeSH D046152, MONDO:0011719, OMIM 606764, HP:0100723.

Allele frequency attached by ClinVar (database versions not stated): TOPMed below 0.00001; gnomAD 0.00001.
gnomAD v4.1: 1 of 1,603,598 alleles (0.000062%); highest among the groups gnomAD compares: African/African-American, 0.0013%; no homozygotes.

Submissions (2):

Labcorp Genetics (formerly Invitae), Labcorp
Classification: Uncertain significance for Gastrointestinal stromal tumor. Last evaluated: 2024-04-17. Review status: criteria provided, single submitter. Criteria: Invitae Variant Classification Sherloc (09022015). Collection method: clinical testing. Allele origin: germline.
Comment: This sequence change replaces valine, which is neutral and non-polar, with alanine, which is neutral and non-polar, at codon 374 of the KIT protein (p.Val374Ala). This variant is not present in population databases (gnomAD no frequency). This variant has not been reported in the literature in individuals affected with KIT-related conditions. ClinVar contains an entry for this variant (Variation ID: 1797979). An algorithm developed to predict the effect of missense changes on protein structure and function (PolyPhen-2) suggests that this variant is likely to be tolerated. In summary, the available evidence is currently insufficient to determine the role of this variant in disease. Therefore, it has been classified as a Variant of Uncertain Significance.

Ambry Genetics
Classification: Uncertain significance for Hereditary cancer-predisposing syndrome. Last evaluated: 2022-03-29. Review status: criteria provided, single submitter. Criteria: Ambry Variant Classification Scheme 2023. Collection method: clinical testing. Allele origin: germline.
Comment: The p.V374A variant (also known as c.1121T>C), located in coding exon 7 of the KIT gene, results from a T to C substitution at nucleotide position 1121. The valine at codon 374 is replaced by alanine, an amino acid with similar properties. This amino acid position is conserved. In addition, this alteration is predicted to be tolerated by in silico analysis. Since supporting evidence is limited at this time, the clinical significance of this alteration remains unclear.